The following is an entry in ClinVar:

ClinVar aggregate classification (germline): Uncertain significance. Review status: criteria provided, multiple submitters, no conflicts (2 of 4 stars). 2 submissions from 2 submitters: Uncertain significance (2). Last evaluated 2024-12-09.

Conditions:
Primary ciliary dyskinesia. Also called: Ciliary dyskinesia. Identifiers: Orphanet 244, MedGen C0008780, MONDO:0016575, HP:0012265.
Primary ciliary dyskinesia 28. Also called: CILIARY DYSKINESIA, PRIMARY, 28, WITH OR WITHOUT SITUS INVERSUS. Identifiers: Orphanet 244, MedGen C3809706, MONDO:0014216, OMIM 615505.

Allele frequency attached by ClinVar (database versions not stated): gnomAD exomes 0.00001; ExAC 0.00003; TOPMed 0.00003; gnomAD 0.00004; ESP Exome Variant Server 0.00015.
gnomAD v4.1: 17 of 1,501,540 alleles (0.0011%); highest among the groups gnomAD compares: Middle Eastern, 0.02%; no homozygotes.

Submissions (2):

Labcorp Genetics (formerly Invitae), Labcorp
Classification: Uncertain significance for Primary ciliary dyskinesia 28. Last evaluated: 2024-12-09. Review status: criteria provided, single submitter. Criteria: Invitae Variant Classification Sherloc (09022015). Collection method: clinical testing. Allele origin: germline.
Comment: This sequence change replaces alanine, which is neutral and non-polar, with threonine, which is neutral and polar, at codon 159 of the SPAG1 protein (p.Ala159Thr). This variant is present in population databases (rs376138862, gnomAD 0.008%). This variant has not been reported in the literature in individuals affected with SPAG1-related conditions. ClinVar contains an entry for this variant (Variation ID: 1742889). Invitae Evidence Modeling of protein sequence and biophysical properties (such as structural, functional, and spatial information, amino acid conservation, physicochemical variation, residue mobility, and thermodynamic stability) indicates that this missense variant is not expected to disrupt SPAG1 protein function with a negative predictive value of 80%. In summary, the available evidence is currently insufficient to determine the role of this variant in disease. Therefore, it has been classified as a Variant of Uncertain Significance.

Ambry Genetics
Classification: Uncertain significance for Primary ciliary dyskinesia. Last evaluated: 2024-01-01. Review status: criteria provided, single submitter. Criteria: Ambry Variant Classification Scheme 2023. Collection method: clinical testing. Allele origin: germline.
Comment: The p.A159T variant (also known as c.475G>A), located in coding exon 4 of the SPAG1 gene, results from a G to A substitution at nucleotide position 475. The alanine at codon 159 is replaced by threonine, an amino acid with similar properties. This amino acid position is conserved. In addition, this alteration is predicted to be tolerated by in silico analysis. Since supporting evidence is limited at this time, the clinical significance of this alteration remains unclear.

NM_003114.5(SPAG1):c.475G>A (p.Ala159Thr)

Gene: SPAG1 (sperm associated antigen 1; plus strand). Cytogenetic location: 8q22.2.
Variant type: single nucleotide variant.
Coding change: c.475G>A on transcript NM_003114.5 (MANE Select); coding-DNA position 475, G replaced by A.
Protein change: p.Ala159Thr; replaces alanine 159 with threonine.
Molecular consequence: missense variant.
Genome position (GRCh38, 1-based): chr8:100,183,423, G>A. VCF-style: chr8-100183423-G-A. GRCh37 (hg19) VCF-style: chr8-101195651-G-A.
Other names: c.475G>A, p.Ala159Thr (NM_001374321.1, NM_172218.3); short protein forms A159T.
Identifiers: ClinVar variation 1742889 (VCV001742889.4), dbSNP rs376138862, ClinGen allele CA4827266.